The following is an entry in ClinVar:

NM_177438.3(DICER1):c.4754C>G (p.Ser1585Ter)

Gene: DICER1 (dicer 1, ribonuclease III; minus strand). Cytogenetic location: 14q32.13.
Variant type: single nucleotide variant.
Coding change: c.4754C>G on transcript NM_177438.3 (MANE Select); coding-DNA position 4754, C replaced by G.
Protein change: p.Ser1585Ter; replaces serine 1585 with a stop codon.
Molecular consequence: nonsense.
Genome position (GRCh38, 1-based): chr14:95,096,166, G>C on the plus strand (C>G on the coding strand, the complement: DICER1 is on the minus strand). VCF-style: chr14-95096166-G-C. GRCh37 (hg19) VCF-style: chr14-95562503-G-C.
Other names: NP_803187.1:p.S1585*; c.4754C>G, p.Ser1585Ter (NM_001195573.1, NM_001271282.3, NM_001291628.2 and 1 more transcripts); short protein forms S1585*.
Identifiers: ClinVar variation 225883 (VCV000225883.6), dbSNP rs875989779, ClinGen allele CA10576127.

ClinVar aggregate classification (germline): Pathogenic. Review status: criteria provided, multiple submitters, no conflicts (2 of 4 stars). 5 submissions from 5 submitters: Pathogenic (5). Last evaluated 2025-09-17.

Conditions:
Global developmental delay - lung cysts - overgrowth - Wilms tumor syndrome. Also called: GLOW Syndrome; GLOBAL DEVELOPMENTAL DELAY, LUNG CYSTS, OVERGROWTH, AND WILMS TUMOR. Identifiers: Orphanet 404476, MedGen C4748924, MONDO:0018445, OMIM 618272.
Hereditary cancer-predisposing syndrome. Also called: Tumor predisposition; Hereditary neoplastic syndrome; Neoplastic Syndromes, Hereditary; Hereditary Cancer Syndrome. Identifiers: Orphanet 140162, MedGen C0027672, MeSH D009386, MONDO:0015356.
DICER1-related tumor predisposition. Also called: DICER1 syndrome; DICER1-related pleuropulmonary blastoma cancer predisposition syndrome. Identifiers: Orphanet 284343, MedGen C3839822, MONDO:0100216.
Pineoblastoma. Identifiers: Orphanet 251909, MedGen C0205898, MONDO:0016722, HP:0030408.

Submissions (5):

Ambry Genetics
Classification: Pathogenic for Hereditary cancer-predisposing syndrome. Last evaluated: 2025-09-17. Review status: criteria provided, single submitter. Criteria: Ambry Variant Classification Scheme 2023. Collection method: clinical testing. Allele origin: germline.
Comment: The p.S1585* pathogenic mutation (also known as c.4754C>G), located in coding exon 22 of the DICER1 gene, results from a C to G substitution at nucleotide position 4754. This changes the amino acid from a serine to a stop codon within coding exon 22. This variant was reported in individual(s) with features consistent with DICER1-related tumor predisposition syndrome (de Kock L et al. Acta Neuropathol, 2014 Oct;128:583-95, Koschmann C et al. JCO Precis Oncol, 2018 May;2:, Brenneman M et al. F1000Res, 2015 Jul;4:214). This variant is considered to be rare based on population cohorts in the Genome Aggregation Database (gnomAD). This alteration is expected to result in loss of function by premature protein truncation or nonsense-mediated mRNA decay. As such, this alteration is interpreted as a disease-causing mutation.

Baylor Genetics
Classification: Pathogenic for Global developmental delay - lung cysts - overgrowth - Wilms tumor syndrome. Last evaluated: 2023-06-08. Review status: criteria provided, single submitter. Criteria: ACMG Guidelines, 2015. Collection method: clinical testing. Allele origin: unknown.

Foulkes Cancer Genetics LDI, Lady Davis Institute for Medical Research
Classification: Pathogenic for Pleuropulmonary blastoma. Last evaluated: 2019-07-01. Review status: criteria provided, single submitter. Criteria: ACMG Guidelines, 2015. Collection method: curation. Allele origin: germline. Affected: yes. Observed: 2 variant alleles.
Comment: ACMG criteria met: PVS1, PM2, PP4

International Pleuropulmonary Blastoma Registry, Children's Hospitals and Clinics of Minnesota
Classification: Pathogenic for Pleuropulmonary blastoma. Last evaluated: 2014-11-10. Review status: criteria provided, single submitter. Criteria: Hill et al. (Science. 2009). Collection method: clinical testing. Allele origin: germline. Affected: yes. Study: PPB-DICER1 Genetic study.

Lupski Lab, Baylor-Hopkins CMG, Baylor College of Medicine
Classification: Pathogenic for Pineoblastoma. Last evaluated: 2014-07-15. Review status: criteria provided, single submitter. Criteria: de Kock et al. (Acta Neuropathol. 2014). Collection method: research. Allele origin: germline. Inheritance: Autosomal dominant inheritance. Affected: yes. Observed: 1 variant allele.

Literature cited by the submitters: PubMed 25022261 (cited by Ambry Genetics and Foulkes Cancer Genetics LDI, Lady Davis Institute for Medical Research); PubMed 26925222 (cited by 3 submitters); PubMed 32832832 (cited by Ambry Genetics).